The following is an entry in ClinVar:

ClinVar aggregate classification (germline): Uncertain significance (1 of 4 stars; one submission).

Submission:

GeneDx
Classification: Uncertain significance. Last evaluated: 2023-04-04. Review status: criteria provided, single submitter. Criteria: GeneDx Variant Classification Process June 2021. Collection method: clinical testing. Allele origin: germline. Affected: yes.
Comment: Not observed at significant frequency in large population cohorts (gnomAD); In silico analysis supports that this missense variant has a deleterious effect on protein structure/function; Has not been previously published as pathogenic or benign to our knowledge; Variants in candidate genes are classified as variants of uncertain significance in accordance with ACMG guidelines (Richards et al., 2015)

NM_001146156.2(GSK3B):c.852G>C (p.Met284Ile)

Gene: GSK3B (glycogen synthase kinase 3 beta; minus strand). Cytogenetic location: 3q13.33.
Variant type: single nucleotide variant.
Coding change: c.852G>C on transcript NM_001146156.2 (MANE Select); coding-DNA position 852, G replaced by C.
Protein change: p.Met284Ile; replaces methionine 284 with isoleucine.
Molecular consequence: missense variant.
Genome position (GRCh38, 1-based): chr3:119,876,470, C>G on the plus strand (G>C on the coding strand, the complement: GSK3B is on the minus strand). VCF-style: chr3-119876470-C-G. GRCh37 (hg19) VCF-style: chr3-119595317-C-G.
Other names: c.852G>C, p.Met284Ile (NM_001354596.2, NM_002093.4); short protein forms M284I.
Identifiers: ClinVar variation 3390627 (VCV003390627.1).